The following is an entry in ClinVar:

ClinVar aggregate classification (germline): Uncertain significance. Review status: criteria provided, multiple submitters, no conflicts (2 of 4 stars). 2 submissions from 2 submitters: Uncertain significance (2). Last evaluated 2025-11-24.

Conditions:
Inborn genetic diseases. Identifiers: MedGen C0950123, MeSH D030342.

Allele frequency attached by ClinVar (database versions not stated): ExAC 0.00005; TOPMed 0.00002; gnomAD 0.00003.
gnomAD v4.1: 32 of 1,614,080 alleles (0.002%); highest among the groups gnomAD compares: East Asian, 0.0089%; no homozygotes.

Submissions (2):

Labcorp Genetics (formerly Invitae), Labcorp
Classification: Uncertain significance. Last evaluated: 2025-11-24. Review status: criteria provided, single submitter. Criteria: Invitae Variant Classification Sherloc (09022015). Collection method: clinical testing. Allele origin: germline.
Comment: This sequence change replaces valine, which is neutral and non-polar, with methionine, which is neutral and non-polar, at codon 163 of the DDX41 protein (p.Val163Met). This variant is present in population databases (rs773515517, gnomAD 0.02%). This variant has not been reported in the literature in individuals affected with DDX41-related conditions. ClinVar contains an entry for this variant (Variation ID: 2955387). An algorithm developed to predict the effect of missense changes on protein structure and function (PolyPhen-2) suggests that this variant is likely to be disruptive. In summary, the available evidence is currently insufficient to determine the role of this variant in disease. Therefore, it has been classified as a Variant of Uncertain Significance.

Ambry Genetics
Classification: Uncertain significance for Inborn genetic diseases. Last evaluated: 2025-01-30. Review status: criteria provided, single submitter. Criteria: Ambry Variant Classification Scheme 2023. Collection method: clinical testing. Allele origin: germline.
Comment: The p.V163M variant (also known as c.487G>A), located in coding exon 6 of the DDX41 gene, results from a G to A substitution at nucleotide position 487. The valine at codon 163 is replaced by methionine, an amino acid with highly similar properties. This amino acid position is highly conserved in available vertebrate species. In addition, this alteration is predicted to be tolerated by in silico analysis. Based on the available evidence, the clinical significance of this variant remains unclear.

NM_016222.4(DDX41):c.487G>A (p.Val163Met)

Gene: DDX41 (DEAD-box helicase 41; minus strand). Cytogenetic location: 5q35.3.
Variant type: single nucleotide variant.
Coding change: c.487G>A on transcript NM_016222.4 (MANE Select); coding-DNA position 487, G replaced by A.
Protein change: p.Val163Met; replaces valine 163 with methionine.
Molecular consequence: missense variant.
Genome position (GRCh38, 1-based): chr5:177,515,769, C>T on the plus strand (G>A on the coding strand, the complement: DDX41 is on the minus strand). VCF-style: chr5-177515769-C-T. GRCh37 (hg19) VCF-style: chr5-176942770-C-T.
Other names: c.109G>A, p.Val37Met (NM_001321732.2, NM_001321830.2); c.487G>A (NM_016222.2); short protein forms V163M, V37M.
Identifiers: ClinVar variation 2955387 (VCV002955387.4), dbSNP rs773515517, ClinGen allele CA3585184.